The following is an entry in ClinVar:

NM_021930.6(RINT1):c.967G>C (p.Gly323Arg)

Gene: RINT1 (RAD50 interactor 1; plus strand). Cytogenetic location: 7q22.3.
Variant type: single nucleotide variant.
Coding change: c.967G>C on transcript NM_021930.6 (MANE Select); coding-DNA position 967, G replaced by C.
Protein change: p.Gly323Arg; replaces glycine 323 with arginine.
Molecular consequence: missense variant. On other transcripts: 5 prime UTR variant (1), non-coding transcript variant (1), intron variant (1).
Genome position (GRCh38, 1-based): chr7:105,548,681, G>C. VCF-style: chr7-105548681-G-C. GRCh37 (hg19) VCF-style: chr7-105189128-G-C.
Other names: c.733G>C, p.Gly245Arg (NM_001346599.2); c.-53G>C (NM_001346600.2); c.43G>C, p.Gly15Arg (NM_001346601.2); c.-27-1374G>C (NM_001346603.2); short protein forms G245R, G323R, G15R.
Identifiers: ClinVar variation 1767774 (VCV001767774.2), dbSNP rs2485128076, ClinGen allele CA368808090.
Genomic context (GRCh38, chr7:105,548,681, plus strand): 5'-ATCCTGCCCATCCAGGTTATGCTGACTCCTCTTCAGAAGAGGTTCAGGTATCACTTCAGA[G>C]GGAACCGGCAGACTAATGTGTTAAGCAAGGTGTGTTTTGCCAGCTCTTGTCCTTGGTTTT-3'
Protein context (NP_068749.3, residues 313-333): LQKRFRYHFR[Gly323Arg]NRQTNVLSKP

ClinVar aggregate classification (germline): Uncertain significance (1 of 4 stars; one submission).

Submission:

Ambry Genetics
Classification: Uncertain significance. Last evaluated: 2022-04-20. Review status: criteria provided, single submitter. Criteria: Ambry Variant Classification Scheme 2023. Collection method: clinical testing. Allele origin: germline.
Comment: The p.G323R variant (also known as c.967G>C), located in coding exon 7 of the RINT1 gene, results from a G to C substitution at nucleotide position 967. The glycine at codon 323 is replaced by arginine, an amino acid with dissimilar properties. This amino acid position is conserved. In addition, this alteration is predicted to be deleterious by in silico analysis. Since supporting evidence is limited at this time, the clinical significance of this alteration remains unclear.